The following is an entry in ClinVar:

ClinVar aggregate classification (germline): Pathogenic (1 of 4 stars; one submission).

Conditions:
Baller-Gerold syndrome (BGS). Also called: CRANIOSYNOSTOSIS WITH RADIAL DEFECTS. Identifiers: Orphanet 1225, MedGen C0265308, MONDO:0009039, OMIM 218600.

Submission:

Labcorp Genetics (formerly Invitae), Labcorp
Classification: Pathogenic for Baller-Gerold syndrome. Last evaluated: 2021-10-19. Review status: criteria provided, single submitter. Criteria: Invitae Variant Classification Sherloc (09022015). Collection method: clinical testing. Allele origin: germline.
Comment: This sequence change creates a premature translational stop signal (p.Trp14*) in the RECQL4 gene. It is expected to result in an absent or disrupted protein product. Loss-of-function variants in RECQL4 are known to be pathogenic (PMID: 12734318, 12952869). The frequency data for this variant in the population databases is considered unreliable, as metrics indicate insufficient coverage at this position in the ExAC database. This variant has not been reported in the literature in individuals affected with RECQL4-related conditions. For these reasons, this variant has been classified as Pathogenic.

Literature cited by the submitters: PubMed 12734318; PubMed 12952869.

NM_004260.4(RECQL4):c.42_43del (p.Trp14_Glu15delinsTer)

Genes: RECQL4 (RecQ like helicase 4; minus strand), LOC130001411 (ATAC-STARR-seq lymphoblastoid silent region 19699; plus strand). Cytogenetic location: 8q24.3.
Variant type: Deletion.
Coding change: c.42_43del on transcript NM_004260.4 (MANE Select); coding-DNA positions 42 to 43, 2 bases deleted (GG; older notation c.42_43delGG).
Protein change: p.Trp14_Glu15delinsTer.
Molecular consequence: nonsense.
Genome position (GRCh38, 1-based): chr8:144,517,742-144,517,743, CC deleted on the plus strand (GG on the coding strand, the reverse complement: RECQL4 is on the minus strand); deleting any 2 consecutive bases within chr8:144,517,742-144,517,744 gives the same sequence; the c. name uses the placement nearest the transcript's 3' end. VCF-style (leftmost placement, unchanged base first): chr8-144517741-TCC-T. GRCh37 (hg19) VCF-style: chr8-145743125-TCC-T.
Identifiers: ClinVar variation 1414832 (VCV001414832.6), dbSNP rs2130745875, ClinGen allele CA2573142959.